The following is an entry in ClinVar:

NM_000038.6(APC):c.4764A>T (p.Ser1588=)

Gene: APC (APC regulator of Wnt signaling pathway; plus strand). Cytogenetic location: 5q22.2.
Variant type: single nucleotide variant.
Coding change: c.4764A>T on transcript NM_000038.6 (MANE Select); coding-DNA position 4764, A replaced by T.
Protein change: p.Ser1588=; no amino-acid change (serine 1588 retained).
Molecular consequence: synonymous variant.
Genome position (GRCh38, 1-based): chr5:112,840,358, A>T. VCF-style: chr5-112840358-A-T. GRCh37 (hg19) VCF-style: chr5-112176055-A-T.
Other names: c.4764A>T, p.Ser1588= (NM_001127510.3, NM_001354895.2); c.4710A>T, p.Ser1570= (NM_001127511.3); c.4818A>T, p.Ser1606= (NM_001354896.2); c.4794A>T, p.Ser1598= (NM_001354897.2); c.4689A>T, p.Ser1563= (NM_001354898.2); c.4680A>T, p.Ser1560= (NM_001354899.2); c.4641A>T, p.Ser1547= (NM_001354900.2); c.4587A>T, p.Ser1529= (NM_001354901.2); and 5 more.
Identifiers: ClinVar variation 490285 (VCV000490285.18), dbSNP rs1554086165, ClinGen allele CA446206721.

ClinVar aggregate classification (germline): Conflicting classifications of pathogenicity. Review status: criteria provided, conflicting classifications (1 of 4 stars). 6 submissions from 6 submitters: Uncertain significance (1); Benign (1); Likely benign (4). Last evaluated 2025-08-06.

Conditions:
Familial adenomatous polyposis 1 (FAP1). Also called: POLYPOSIS, ADENOMATOUS INTESTINAL; FAMILIAL ADENOMATOUS POLYPOSIS 1, ATTENUATED. Identifiers: MedGen C2713442, MONDO:0021056, OMIM 175100. Disease mechanism: loss of function.
Hereditary cancer-predisposing syndrome. Also called: Hereditary Cancer Syndrome; Neoplastic Syndromes, Hereditary; Tumor predisposition; Hereditary neoplastic syndrome. Identifiers: Orphanet 140162, MedGen C0027672, MeSH D009386, MONDO:0015356.

Allele frequency attached by ClinVar (database versions not stated): TOPMed 0.00001.
gnomAD v4.1: 1 of 1,614,240 alleles (0.000062%); no homozygotes.

Submissions (6):

Labcorp Genetics (formerly Invitae), Labcorp
Classification: Likely benign for Familial adenomatous polyposis 1. Last evaluated: 2025-08-06. Review status: criteria provided, single submitter. Criteria: Invitae Variant Classification Sherloc (09022015). Collection method: clinical testing. Allele origin: germline.

Myriad Genetics, Inc.
Classification: Benign for Familial adenomatous polyposis 1. Last evaluated: 2024-03-27. Review status: criteria provided, single submitter. Criteria: Myriad Autosomal Dominant, Autosomal Recessive and X-Linked Classification Criteria (2023). Collection method: clinical testing. Allele origin: unknown.
Comment: This variant is considered benign. This variant is a silent/synonymous amino acid change and it is not expected to impact splicing.

Quest Diagnostics Nichols Institute San Juan Capistrano
Classification: Uncertain significance. Last evaluated: 2024-01-31. Review status: criteria provided, single submitter. Criteria: Quest Diagnostics criteria. Collection method: clinical testing. Allele origin: unknown.
Comment: The APC c.4764A>T (p.Ser1588=) synonymous variant has not been reported in individuals with APC-related conditions in the published literature. It also has not been reported in large, multi-ethnic general populations (Genome Aggregation Database). Analysis of this variant using software algorithms for the prediction of the effect of nucleotide changes on splicing yielded predictions that this variant does not affect APC mRNA splicing. Based on the available information, we are unable to determine the clinical significance of this variant.

Sema4
Classification: Likely benign for Hereditary cancer-predisposing syndrome. Last evaluated: 2021-09-29. Review status: criteria provided, single submitter. Criteria: Sema4 Curation Guidelines. Collection method: curation. Allele origin: germline.

Ambry Genetics
Classification: Likely benign for Hereditary cancer-predisposing syndrome. Last evaluated: 2019-11-19. Review status: criteria provided, single submitter. Criteria: Ambry Variant Classification Scheme 2023. Collection method: clinical testing. Allele origin: germline.

Color Diagnostics, LLC DBA Color Health
Classification: Likely benign for Hereditary cancer-predisposing syndrome. Last evaluated: 2017-07-28. Review status: criteria provided, single submitter. Criteria: ACMG Guidelines, 2015. Collection method: clinical testing. Allele origin: germline.